The following is an entry in ClinVar:

NM_015570.4(AUTS2):c.1223G>A (p.Arg408Lys)

Gene: AUTS2 (activator of transcription and developmental regulator AUTS2; plus strand). Cytogenetic location: 7q11.22.
Variant type: single nucleotide variant.
Coding change: c.1223G>A on transcript NM_015570.4 (MANE Select); coding-DNA position 1223, G replaced by A.
Protein change: p.Arg408Lys; replaces arginine 408 with lysine.
Molecular consequence: missense variant.
Genome position (GRCh38, 1-based): chr7:70,764,760, G>A. VCF-style: chr7-70764760-G-A. GRCh37 (hg19) VCF-style: chr7-70229746-G-A.
Other names: c.1223G>A, p.Arg408Lys (NM_001127231.3); short protein forms R408K.
Identifiers: ClinVar variation 4750818 (VCV004750818.1).

ClinVar aggregate classification (germline): Uncertain significance (1 of 4 stars; one submission).

Submission:

Labcorp Genetics (formerly Invitae), Labcorp
Classification: Uncertain significance. Last evaluated: 2025-08-29. Review status: criteria provided, single submitter. Criteria: Invitae Variant Classification Sherloc (09022015). Collection method: clinical testing. Allele origin: germline.
Comment: This sequence change replaces arginine, which is basic and polar, with lysine, which is basic and polar, at codon 408 of the AUTS2 protein (p.Arg408Lys). This variant is not present in population databases (gnomAD no frequency). This variant has not been reported in the literature in individuals affected with AUTS2-related conditions. Invitae Evidence Modeling of protein sequence and biophysical properties (such as structural, functional, and spatial information, amino acid conservation, physicochemical variation, residue mobility, and thermodynamic stability) has been performed for this missense variant. However, the output from this modeling did not meet the statistical confidence thresholds required to predict the impact of this variant on AUTS2 protein function. In summary, the available evidence is currently insufficient to determine the role of this variant in disease. Therefore, it has been classified as a Variant of Uncertain Significance.